The following is an entry in ClinVar:

ClinVar aggregate classification (germline): Benign. Review status: criteria provided, multiple submitters, no conflicts (2 of 4 stars). 2 submissions from 2 submitters: Benign (2). Last evaluated 2018-01-13.

Conditions:
Heterotaxy, visceral, 4, autosomal (HTX4). Identifiers: Orphanet 450, MedGen C3151057, MONDO:0013403, OMIM 613751.

Allele frequency attached by ClinVar (database versions not stated): 1000 Genomes Project 30x 0.34713; 1000 Genomes Project 0.35323; TOPMed 0.40015; gnomAD 0.42110 and 0.42496.

Submissions (2):

Illumina Laboratory Services, Illumina
Classification: Benign for Heterotaxy, visceral, 4, autosomal. Last evaluated: 2018-01-13. Review status: criteria provided, single submitter. Criteria: ICSL Variant Classification Criteria 13 December 2019. Collection method: clinical testing. Allele origin: germline.
Comment: This variant was observed in the ICSL laboratory as part of a predisposition screen in an ostensibly healthy population. It had not been previously curated by ICSL or reported in the Human Gene Mutation Database (HGMD: prior to June 1st, 2018), and was therefore a candidate for classification through an automated scoring system. Utilizing variant allele frequency, disease prevalence and penetrance estimates, and inheritance mode, an automated score was calculated to assess if this variant is too frequent to cause the disease. Based on the score and internal cut-off values, a variant classified as benign is not then subjected to further curation. The score for this variant resulted in a classification of benign for this disease.

Breakthrough Genomics
Classification: Benign. Review status: criteria provided, single submitter. Criteria: ACMG Guidelines, 2015. Collection method: not provided. Allele origin: germline. Inheritance: Unknown mechanism. Affected: yes.

NM_001106.4(ACVR2B):c.*4995C>T

Gene: ACVR2B (activin A receptor type 2B; plus strand). Cytogenetic location: 3p22.2.
Variant type: single nucleotide variant.
Coding change: c.*4995C>T on transcript NM_001106.4 (MANE Select); 4995 bases downstream of the stop codon, C replaced by T.
Molecular consequence: 3 prime UTR variant.
Genome position (GRCh38, 1-based): chr3:38,488,327, C>T. VCF-style: chr3-38488327-C-T. GRCh37 (hg19) VCF-style: chr3-38529818-C-T.
Identifiers: ClinVar variation 344995 (VCV000344995.6), dbSNP rs7433277, ClinGen allele CA10616259.